The following is an entry in ClinVar:

ClinVar aggregate classification (germline): Uncertain significance (1 of 4 stars; one submission).

Conditions:
Costello syndrome (CSTLO). Also called: HRAS-Related Costello Syndrome; FACIOCUTANEOSKELETAL SYNDROME; FCS SYNDROME. Identifiers: Orphanet 3071, MedGen C0587248, MONDO:0009026, OMIM 218040.

gnomAD v4.1: 2 of 1,611,924 alleles (0.00012%); highest among the groups gnomAD compares: Non-Finnish European, 0.000085%; no homozygotes.

Submission:

Labcorp Genetics (formerly Invitae), Labcorp
Classification: Uncertain significance for Costello syndrome. Last evaluated: 2020-10-21. Review status: criteria provided, single submitter. Criteria: Invitae Variant Classification Sherloc (09022015). Collection method: clinical testing. Allele origin: germline.
Comment: In summary, the available evidence is currently insufficient to determine the role of this variant in disease. Therefore, it has been classified as a Variant of Uncertain Significance. Advanced modeling of protein sequence and biophysical properties (such as structural, functional, and spatial information, amino acid conservation, physicochemical variation, residue mobility, and thermodynamic stability) performed at Invitae indicates that this missense variant is expected to disrupt HRAS protein function. This variant has not been reported in the literature in individuals with HRAS-related conditions. This variant is not present in population databases (ExAC no frequency). This sequence change replaces proline with leucine at codon 34 of the HRAS protein (p.Pro34Leu). The proline residue is highly conserved and there is a moderate physicochemical difference between proline and leucine.

NM_005343.4(HRAS):c.101C>T (p.Pro34Leu)

Genes: HRAS (HRas proto-oncogene, GTPase; minus strand), LRRC56 (leucine rich repeat containing 56; plus strand). Cytogenetic location: 11p15.5.
Variant type: single nucleotide variant.
Coding change: c.101C>T on transcript NM_005343.4 (MANE Select); coding-DNA position 101, C replaced by T.
Protein change: p.Pro34Leu; replaces proline 34 with leucine.
Molecular consequence: missense variant. On other transcripts: 5 prime UTR variant (1).
Genome position (GRCh38, 1-based): chr11:534,222, G>A on the plus strand (C>T on the coding strand, the complement: HRAS is on the minus strand). VCF-style: chr11-534222-G-A. GRCh37 (hg19) VCF-style: chr11-534222-G-A.
Other names: c.101C>T, p.Pro34Leu (NM_001130442.3, NM_176795.5); c.-219C>T (NM_001318054.2); short protein forms P34L.
Identifiers: ClinVar variation 1052630 (VCV001052630.9), dbSNP rs2133994210, ClinGen allele CA378924959.